The following is an entry in ClinVar:

NM_004172.5(SLC1A3):c.*313T>A

Genes: SLC1A3 (solute carrier family 1 member 3; plus strand), SLC1A3-AS1 (SLC1A3 antisense RNA 1; minus strand). Cytogenetic location: 5p13.2.
Variant type: single nucleotide variant.
Coding change: c.*313T>A on transcript NM_004172.5 (MANE Select); 313 bases downstream of the stop codon, T replaced by A.
Molecular consequence: 3 prime UTR variant.
Genome position (GRCh38, 1-based): chr5:36,686,582, T>A. VCF-style: chr5-36686582-T-A. GRCh37 (hg19) VCF-style: chr5-36686684-T-A.
Other names: c.*313T>A (NM_001166695.3, NM_001289939.2, NM_001289940.2).
Identifiers: ClinVar variation 353333 (VCV000353333.5), dbSNP rs6860949, ClinGen allele CA10624558.

ClinVar aggregate classification (germline): Benign (1 of 4 stars; one submission).

Conditions:
Episodic ataxia type 6. Identifiers: Orphanet 209967, MedGen C2675211, MONDO:0012982, OMIM 612656.

Allele frequency attached by ClinVar (database versions not stated): gnomAD 0.02184; TOPMed 0.02462; 1000 Genomes Project 0.02915; 1000 Genomes Project 30x 0.03170.
gnomAD v4.1: 4,069 of 329,504 alleles (1.2%); highest among the groups gnomAD compares: African/African-American, 7.8%; 161 homozygotes.

Submission:

Illumina Laboratory Services, Illumina
Classification: Benign for Episodic ataxia type 6. Last evaluated: 2018-01-13. Review status: criteria provided, single submitter. Criteria: ICSL Variant Classification Criteria 13 December 2019. Collection method: clinical testing. Allele origin: germline.
Comment: This variant was observed in the ICSL laboratory as part of a predisposition screen in an ostensibly healthy population. It had not been previously curated by ICSL or reported in the Human Gene Mutation Database (HGMD: prior to June 1st, 2018), and was therefore a candidate for classification through an automated scoring system. Utilizing variant allele frequency, disease prevalence and penetrance estimates, and inheritance mode, an automated score was calculated to assess if this variant is too frequent to cause the disease. Based on the score and internal cut-off values, a variant classified as benign is not then subjected to further curation. The score for this variant resulted in a classification of benign for this disease.